The following is an entry in ClinVar:

NM_144772.3(NAXE):c.71G>A (p.Ser24Asn)

Gene: NAXE (NAD(P)HX epimerase; plus strand). Cytogenetic location: 1q22.
Variant type: single nucleotide variant.
Coding change: c.71G>A on transcript NM_144772.3 (MANE Select); coding-DNA position 71, G replaced by A.
Protein change: p.Ser24Asn; replaces serine 24 with asparagine.
Molecular consequence: missense variant.
Genome position (GRCh38, 1-based): chr1:156,591,875, G>A. VCF-style: chr1-156591875-G-A. GRCh37 (hg19) VCF-style: chr1-156561667-G-A.
Other names: short protein forms S24N.
Identifiers: ClinVar variation 2090341 (VCV002090341.4), dbSNP rs2526044889, ClinGen allele CA342870518.

ClinVar aggregate classification (germline): Uncertain significance (1 of 4 stars; one submission).

Submission:

Labcorp Genetics (formerly Invitae), Labcorp
Classification: Uncertain significance. Last evaluated: 2024-01-02. Review status: criteria provided, single submitter. Criteria: Invitae Variant Classification Sherloc (09022015). Collection method: clinical testing. Allele origin: germline.
Comment: This sequence change replaces serine, which is neutral and polar, with asparagine, which is neutral and polar, at codon 24 of the NAXE protein (p.Ser24Asn). This variant is not present in population databases (gnomAD no frequency). This variant has not been reported in the literature in individuals affected with NAXE-related conditions. ClinVar contains an entry for this variant (Variation ID: 2090341). An algorithm developed to predict the effect of missense changes on protein structure and function (PolyPhen-2) suggests that this variant is likely to be tolerated. In summary, the available evidence is currently insufficient to determine the role of this variant in disease. Therefore, it has been classified as a Variant of Uncertain Significance.